The following is an entry in ClinVar:

NM_006015.6(ARID1A):c.764C>G (p.Ser255Cys)

Genes: ARID1A (AT-rich interaction domain 1A; plus strand), LOC129929837 (ATAC-STARR-seq lymphoblastoid silent region 489; plus strand). Cytogenetic location: 1p36.11.
Variant type: single nucleotide variant.
Coding change: c.764C>G on transcript NM_006015.6 (MANE Select); coding-DNA position 764, C replaced by G.
Protein change: p.Ser255Cys; replaces serine 255 with cysteine.
Molecular consequence: missense variant.
Genome position (GRCh38, 1-based): chr1:26,697,167, C>G. VCF-style: chr1-26697167-C-G. GRCh37 (hg19) VCF-style: chr1-27023658-C-G.
Other names: c.764C>G, p.Ser255Cys (NM_139135.4); short protein forms S255C.
Identifiers: ClinVar variation 3633520 (VCV003633520.2).

ClinVar aggregate classification (germline): Uncertain significance (1 of 4 stars; one submission).

Submission:

Labcorp Genetics (formerly Invitae), Labcorp
Classification: Uncertain significance. Last evaluated: 2024-07-08. Review status: criteria provided, single submitter. Criteria: Invitae Variant Classification Sherloc (09022015). Collection method: clinical testing. Allele origin: germline.
Comment: This sequence change replaces serine, which is neutral and polar, with cysteine, which is neutral and slightly polar, at codon 255 of the ARID1A protein (p.Ser255Cys). This variant is not present in population databases (gnomAD no frequency). This variant has not been reported in the literature in individuals affected with ARID1A-related conditions. Advanced modeling of protein sequence and biophysical properties (such as structural, functional, and spatial information, amino acid conservation, physicochemical variation, residue mobility, and thermodynamic stability) performed at Invitae indicates that this missense variant is not expected to disrupt ARID1A protein function with a negative predictive value of 95%. In summary, the available evidence is currently insufficient to determine the role of this variant in disease. Therefore, it has been classified as a Variant of Uncertain Significance.